The following is an entry in ClinVar:

NM_020699.4(GATAD2B):c.1114C>A (p.Pro372Thr)

Gene: GATAD2B (GATA zinc finger domain containing 2B; minus strand). Cytogenetic location: 1q21.3.
Variant type: single nucleotide variant.
Coding change: c.1114C>A on transcript NM_020699.4 (MANE Select); coding-DNA position 1114, C replaced by A.
Protein change: p.Pro372Thr; replaces proline 372 with threonine.
Molecular consequence: missense variant.
Genome position (GRCh38, 1-based): chr1:153,816,375, G>T on the plus strand (C>A on the coding strand, the complement: GATAD2B is on the minus strand). VCF-style: chr1-153816375-G-T. GRCh37 (hg19) VCF-style: chr1-153788851-G-T.
Other names: short protein forms P372T.
Identifiers: ClinVar variation 1474762 (VCV001474762.6), dbSNP rs1674482490, ClinGen allele CA342527194.

ClinVar aggregate classification (germline): Uncertain significance (1 of 4 stars; one submission).

Allele frequency attached by ClinVar (database versions not stated): TOPMed below 0.00001.

Submission:

Labcorp Genetics (formerly Invitae), Labcorp
Classification: Uncertain significance. Last evaluated: 2022-03-19. Review status: criteria provided, single submitter. Criteria: Invitae Variant Classification Sherloc (09022015). Collection method: clinical testing. Allele origin: germline.
Comment: In summary, the available evidence is currently insufficient to determine the role of this variant in disease. Therefore, it has been classified as a Variant of Uncertain Significance. Algorithms developed to predict the effect of missense changes on protein structure and function are either unavailable or do not agree on the potential impact of this missense change (SIFT: "Not Available"; PolyPhen-2: "Probably Damaging"; Align-GVGD: "Not Available"). This variant has not been reported in the literature in individuals affected with GATAD2B-related conditions. This variant is not present in population databases (gnomAD no frequency). This sequence change replaces proline with threonine at codon 372 of the GATAD2B protein (p.Pro372Thr). The proline residue is highly conserved and there is a small physicochemical difference between proline and threonine.